The following is an entry in ClinVar:

NM_001164496.2(CFAP44):c.870A>G (p.Thr290=)

Genes: CFAP44-AS1 (CFAP44 antisense RNA 1; plus strand), SPICE1-CFAP44 (SPICE1-CFAP44 readthrough (NMD candidate); minus strand), CFAP44 (cilia and flagella associated protein 44; minus strand). Cytogenetic location: 3q13.2.
Variant type: single nucleotide variant.
Coding change: c.870A>G on transcript NM_001164496.2 (MANE Select); coding-DNA position 870, A replaced by G.
Protein change: p.Thr290=; no amino-acid change (threonine 290 retained).
Molecular consequence: synonymous variant. On other transcripts: non-coding transcript variant (2).
Genome position (GRCh38, 1-based): chr3:113,409,126, T>C on the plus strand (A>G on the coding strand, the complement: CFAP44 is on the minus strand). VCF-style: chr3-113409126-T-C. GRCh37 (hg19) VCF-style: chr3-113127973-T-C.
Other names: c.870A>G, p.Thr290= (NM_018338.3).
Identifiers: ClinVar variation 1695080 (VCV001695080.31), dbSNP rs773747189, ClinGen allele CA2544347.
Genomic context (GRCh38, chr3:113,409,126, plus strand): 5'-TGTGATATCTACTGGCACCTCTATTGGTTACCCAACCTACTTGATGTGGCCTGATCCCGA[T>C]GTAGTAAGCTGCTCTTCCTTATCAGGATTGAAAGTAACCTTAAAAACTTCCTGAGAAAAA-3'
Protein context (NP_001157968.1, residues 280-300): FNPDKEEQLT[Thr290=]SGSGHIKFWE

ClinVar aggregate classification (germline): Likely benign (1 of 4 stars; one submission).

Allele frequency attached by ClinVar (database versions not stated): ExAC 0.00001; gnomAD exomes 0.00001.
gnomAD v4.1: 14 of 1,613,502 alleles (0.00087%); highest among the groups gnomAD compares: Middle Eastern, 0.017%; no homozygotes.

Submission:

CeGaT Center for Human Genetics Tuebingen
Classification: Likely benign. Last evaluated: 2022-05-01. Review status: criteria provided, single submitter. Criteria: CeGaT Center For Human Genetics Tuebingen Variant Classification Criteria Version 2. Collection method: clinical testing. Allele origin: germline. Affected: yes. Observed: 1 variant allele.
Comment: CFAP44: BP4, BP7